The following is an entry in ClinVar:

ClinVar aggregate classification (germline): Benign (1 of 4 stars; one submission).

Allele frequency attached by ClinVar (database versions not stated): TOPMed 0.15068; 1000 Genomes Project 0.15355; 1000 Genomes Project 30x 0.15053; gnomAD 0.17402.

Submission:

GeneDx
Classification: Benign. Last evaluated: 2018-06-14. Review status: criteria provided, single submitter. Criteria: GeneDx Variant Classification (06012015). Collection method: clinical testing. Allele origin: germline. Affected: yes.
Comment: This variant is considered likely benign or benign based on one or more of the following criteria: it is a conservative change, it occurs at a poorly conserved position in the protein, it is predicted to be benign by multiple in silico algorithms, and/or has population frequency not consistent with disease.

NM_020822.3(KCNT1):c.1510+321C>T

Gene: KCNT1 (potassium sodium-activated channel subfamily T member 1; plus strand). Cytogenetic location: 9q34.3.
Variant type: single nucleotide variant.
Coding change: c.1510+321C>T on transcript NM_020822.3 (MANE Select); 321 bases into the intron after coding-DNA position 1510, C replaced by T.
Molecular consequence: intron variant.
Genome position (GRCh38, 1-based): chr9:135,769,258, C>T. VCF-style: chr9-135769258-C-T. GRCh37 (hg19) VCF-style: chr9-138661104-C-T.
Other names: c.1375+321C>T (NM_001272003.2).
Identifiers: ClinVar variation 683581 (VCV000683581.1), dbSNP rs12683761, ClinGen allele CA13060517.